The following is an entry in ClinVar:

NM_152490.5(B3GALNT2):c.723G>A (p.Val241=)

Gene: B3GALNT2 (beta-1,3-N-acetylgalactosaminyltransferase 2; minus strand). Cytogenetic location: 1q42.3.
Variant type: single nucleotide variant.
Coding change: c.723G>A on transcript NM_152490.5 (MANE Select); coding-DNA position 723, G replaced by A.
Protein change: p.Val241=; no amino-acid change (valine 241 retained).
Molecular consequence: synonymous variant.
Genome position (GRCh38, 1-based): chr1:235,470,889, C>T on the plus strand (G>A on the coding strand, the complement: B3GALNT2 is on the minus strand). VCF-style: chr1-235470889-C-T. GRCh37 (hg19) VCF-style: chr1-235634203-C-T.
Other names: c.846G>A, p.Val282= (NM_001277155.3).
Identifiers: ClinVar variation 515707 (VCV000515707.8), dbSNP rs777394575, ClinGen allele CA1464819.

ClinVar aggregate classification (germline): Likely benign. Review status: criteria provided, multiple submitters, no conflicts (2 of 4 stars). 2 submissions from 2 submitters: Likely benign (2). Last evaluated 2025-03-30.

Conditions:
Muscular dystrophy-dystroglycanopathy (congenital with brain and eye anomalies), type a, 11 (MDDGA11). Also called: Congenital muscular dystrophy-dystroglycanopathy with brain and eye anomalies, type A11; WALKER-WARBURG SYNDROME OR MUSCLE-EYE-BRAIN DISEASE, B3GALNT2-RELATED; Muscular dystrophy-dystroglycanopathy (congenital with brain and eye anomalies, type A, 11. Identifiers: Orphanet 588, Orphanet 899, MedGen C3554638, MONDO:0014071, OMIM 615181.

Allele frequency attached by ClinVar (database versions not stated): gnomAD exomes below 0.00001; ExAC 0.00001; gnomAD 0.00001; TOPMed 0.00002.
gnomAD v4.1: 6 of 1,613,972 alleles (0.00037%); highest among the groups gnomAD compares: African/African-American, 0.008%; no homozygotes.

Submissions (2):

Labcorp Genetics (formerly Invitae), Labcorp
Classification: Likely benign for Muscular dystrophy-dystroglycanopathy (congenital with brain and eye anomalies), type a, 11. Last evaluated: 2025-03-30. Review status: criteria provided, single submitter. Criteria: Invitae Variant Classification Sherloc (09022015). Collection method: clinical testing. Allele origin: germline.

GeneDx
Classification: Likely benign. Last evaluated: 2018-03-08. Review status: criteria provided, single submitter. Criteria: GeneDx Variant Classification (06012015). Collection method: clinical testing. Allele origin: germline. Affected: yes.
Comment: This variant is considered likely benign or benign based on one or more of the following criteria: it is a conservative change, it occurs at a poorly conserved position in the protein, it is predicted to be benign by multiple in silico algorithms, and/or has population frequency not consistent with disease.